The following is an entry in ClinVar:

ClinVar aggregate classification (germline): Uncertain significance (1 of 4 stars; one submission).

Conditions:
Autoimmune lymphoproliferative syndrome type 2A (ALPS2A). Also called: Autoimmune lymphoproliferative syndrome type 2; CASP10-Related Autoimmune Lymphoproliferative Syndrome; AUTOIMMUNE LYMPHOPROLIFERATIVE SYNDROME, TYPE IIA. Identifiers: Orphanet 3261, MedGen C1858968, MONDO:0011383, OMIM 603909.

Submission:

Labcorp Genetics (formerly Invitae), Labcorp
Classification: Uncertain significance for Autoimmune lymphoproliferative syndrome type 2A. Last evaluated: 2024-04-05. Review status: criteria provided, single submitter. Criteria: Invitae Variant Classification Sherloc (09022015). Collection method: clinical testing. Allele origin: germline.
Comment: This sequence change replaces leucine, which is neutral and non-polar, with glutamine, which is neutral and polar, at codon 105 of the CASP10 protein (p.Leu105Gln). This variant is not present in population databases (gnomAD no frequency). This variant has not been reported in the literature in individuals affected with CASP10-related conditions. ClinVar contains an entry for this variant (Variation ID: 1976326). Advanced modeling of protein sequence and biophysical properties (such as structural, functional, and spatial information, amino acid conservation, physicochemical variation, residue mobility, and thermodynamic stability) performed at Invitae indicates that this missense variant is not expected to disrupt CASP10 protein function with a negative predictive value of 80%. In summary, the available evidence is currently insufficient to determine the role of this variant in disease. Therefore, it has been classified as a Variant of Uncertain Significance.

NM_032977.4(CASP10):c.314T>A (p.Leu105Gln)

Gene: CASP10 (caspase 10; plus strand). Cytogenetic location: 2q33.1.
Variant type: single nucleotide variant.
Coding change: c.314T>A on transcript NM_032977.4 (MANE Select); coding-DNA position 314, T replaced by A.
Protein change: p.Leu105Gln; replaces leucine 105 with glutamine.
Molecular consequence: missense variant.
Genome position (GRCh38, 1-based): chr2:201,186,091, T>A. VCF-style: chr2-201186091-T-A. GRCh37 (hg19) VCF-style: chr2-202050814-T-A.
Other names: c.314T>A, p.Leu105Gln (NM_001206524.2, NM_001206542.2, NM_001230.5 and 3 more transcripts); short protein forms L105Q.
Identifiers: ClinVar variation 1976326 (VCV001976326.5), dbSNP rs200530667, ClinGen allele CA350278048.